The following is an entry in ClinVar:

NM_004006.3(DMD):c.3162+1G>T

Gene: DMD (dystrophin; minus strand). Cytogenetic location: Xp21.1.
Variant type: single nucleotide variant.
Coding change: c.3162+1G>T on transcript NM_004006.3 (MANE Select); the canonical splice donor site of the intron after coding-DNA position 3162, G replaced by T.
Molecular consequence: splice donor variant.
Genome position (GRCh38, 1-based): chrX:32,468,497, C>A on the plus strand (G>T on the coding strand, the complement: DMD is on the minus strand). VCF-style: chrX-32468497-C-A. GRCh37 (hg19) VCF-style: chrX-32486614-C-A.
Other names: c.3138+1G>T (NM_000109.4); c.3150+1G>T (NM_004009.3); c.2793+1G>T (NM_004010.3).
Identifiers: ClinVar variation 3728709 (VCV003728709.2).

ClinVar aggregate classification (germline): Pathogenic (1 of 4 stars; one submission).

Conditions:
Duchenne muscular dystrophy (DMD). Also called: Duchenne Muscular Dystrophy (DMD); MUSCULAR DYSTROPHY, PSEUDOHYPERTROPHIC PROGRESSIVE, DUCHENNE TYPE. Identifiers: Orphanet 98896, MedGen C0013264, MONDO:0010679, OMIM 310200.

Submission:

Labcorp Genetics (formerly Invitae), Labcorp
Classification: Pathogenic for Duchenne muscular dystrophy. Last evaluated: 2025-01-08. Review status: criteria provided, single submitter. Criteria: Invitae Variant Classification Sherloc (09022015). Collection method: clinical testing. Allele origin: germline.
Comment: This sequence change affects a donor splice site in intron 23 of the DMD gene. It is expected to disrupt RNA splicing. Variants that disrupt the donor or acceptor splice site typically lead to a loss of protein function (PMID: 16199547), and loss-of-function variants in DMD are known to be pathogenic (PMID: 16770791, 25007885). This variant is not present in population databases (gnomAD no frequency). Disruption of this splice site has been observed in individuals with Duchenne or Becker muscular dystrophy (PMID: 32194622). Algorithms developed to predict the effect of sequence changes on RNA splicing suggest that this variant may disrupt the consensus splice site. For these reasons, this variant has been classified as Pathogenic.

Literature cited by the submitters: PubMed 16199547; PubMed 16770791; PubMed 25007885; PubMed 32194622.